The following is an entry in ClinVar:

NM_021098.3(CACNA1H):c.2030C>T (p.Ser677Leu)

Gene: CACNA1H (calcium voltage-gated channel subunit alpha1 H; plus strand). Cytogenetic location: 16p13.3.
Variant type: single nucleotide variant.
Coding change: c.2030C>T on transcript NM_021098.3 (MANE Select); coding-DNA position 2030, C replaced by T.
Protein change: p.Ser677Leu; replaces serine 677 with leucine.
Molecular consequence: missense variant.
Genome position (GRCh38, 1-based): chr16:1,204,037, C>T. VCF-style: chr16-1204037-C-T. GRCh37 (hg19) VCF-style: chr16-1254037-C-T.
Other names: c.2030C>T, p.Ser677Leu (NM_001005407.2); short protein forms S677L.
Identifiers: ClinVar variation 460058 (VCV000460058.14), dbSNP rs181892888, ClinGen allele CA7800090.

ClinVar aggregate classification (germline): Benign/Likely benign. Review status: criteria provided, multiple submitters, no conflicts (2 of 4 stars). 3 submissions from 3 submitters: Benign (1); Likely benign (1). 1 of the submissions does not count toward it. Last evaluated 2026-01-18.

Conditions:
CACNA1H-related disorder.
Hyperaldosteronism, familial, type IV (HALD4). Also called: FH IV; ALDOSTERONISM, PRIMARY, AND HYPERTENSION. Identifiers: Orphanet 642671, MedGen C4310756, MONDO:0014875, OMIM 617027.
Idiopathic generalized epilepsy. Also called: Generalised epilepsy; EIG. Identifiers: MedGen C0270850, MONDO:0005579, OMIM 600669.

Allele frequency attached by ClinVar (database versions not stated): gnomAD exomes 0.00119; ExAC 0.00321; 1000 Genomes Project 0.00339; 1000 Genomes Project 30x 0.00344; ESP Exome Variant Server 0.00008; gnomAD 0.00051 and 0.00070; TOPMed 0.00067.
gnomAD v4.1: 551 of 1,570,902 alleles (0.035%); highest among the groups gnomAD compares: East Asian, 1%; 3 homozygotes.

Submissions (3):

Labcorp Genetics (formerly Invitae), Labcorp
Classification: Benign for Idiopathic generalized epilepsy; Hyperaldosteronism, familial, type IV. Last evaluated: 2026-01-18. Review status: criteria provided, single submitter. Criteria: Invitae Variant Classification Sherloc (09022015). Collection method: clinical testing. Allele origin: germline.

Blueprint Genetics
Classification: Likely benign. Last evaluated: 2024-09-23. Review status: criteria provided, single submitter. Criteria: ACMG Guidelines, 2015. Collection method: clinical testing. Allele origin: germline.

PreventionGenetics, part of Exact Sciences
Classification: Benign for CACNA1H-related condition. Last evaluated: 2019-08-09. Review status: no assertion criteria provided. Collection method: clinical testing. Allele origin: germline. Not counted in ClinVar's aggregate classification.
Comment: This variant is classified as benign based on ACMG/AMP sequence variant interpretation guidelines (Richards et al. 2015 PMID: 25741868, with internal and published modifications).